The following is an entry in ClinVar:

ClinVar aggregate classification (germline): Uncertain significance (0 of 4 stars; one submission).

Conditions:
PCNT-related disorder. Also called: PCNT-related condition.

gnomAD v4.1: 2 of 1,611,486 alleles (0.00012%); highest among the groups gnomAD compares: South Asian, 0.0011%; no homozygotes.

Submission:

PreventionGenetics, part of Exact Sciences
Classification: Uncertain significance for PCNT-related condition. Last evaluated: 2023-11-11. Review status: no assertion criteria provided. Collection method: clinical testing. Allele origin: germline.
Comment: The PCNT c.5474A>G variant is predicted to result in the amino acid substitution p.Gln1825Arg. To our knowledge, this variant has not been reported in the literature. This variant is reported in 0.0065% of alleles in individuals of European (Non-Finnish) descent in gnomAD. At this time, the clinical significance of this variant is uncertain due to the absence of conclusive functional and genetic evidence.

NM_006031.6(PCNT):c.5474A>G (p.Gln1825Arg)

Gene: PCNT (pericentrin; plus strand). Cytogenetic location: 21q22.3.
Variant type: single nucleotide variant.
Coding change: c.5474A>G on transcript NM_006031.6 (MANE Select); coding-DNA position 5474, A replaced by G.
Protein change: p.Gln1825Arg; replaces glutamine 1825 with arginine.
Molecular consequence: missense variant.
Genome position (GRCh38, 1-based): chr21:46,411,547, A>G. VCF-style: chr21-46411547-A-G. GRCh37 (hg19) VCF-style: chr21-47831461-A-G.
Other names: c.5120A>G, p.Gln1707Arg (NM_001315529.2); short protein forms Q1707R, Q1825R.
Identifiers: ClinVar variation 3349659 (VCV003349659.1).
Genomic context (GRCh38, chr21:46,411,547, plus strand): 5'-TGCTGGCTGACCAGGAGCGCAGGCACAGCCAGGCCCTGGAGGCCCTGCAGCAGCGCCTCC[A>G]GGGCGCAGAGGAGGCTGCGGAGCTACAGCTGGCTGAGCTGGAGCGCAATGTAGCCCTCAG-3'
Protein context (NP_006022.3, residues 1815-1835): QALEALQQRL[Gln1825Arg]GAEEAAELQL